The following is an entry in ClinVar:

ClinVar aggregate classification (germline): Uncertain significance (1 of 4 stars; one submission).

Conditions:
Intellectual disability, autosomal recessive 53 (NEDHSCA). Also called: NEURODEVELOPMENTAL DISORDER WITH OR WITHOUT HYPOTONIA, SEIZURES, AND CEREBELLAR ATROPHY; GLYCOSYLPHOSPHATIDYLINOSITOL BIOSYNTHESIS DEFECT 13; Mental retardation, autosomal recessive 53. Identifiers: Orphanet 488635, MedGen C4310794, MONDO:0014832, OMIM 616917.

Allele frequency attached by ClinVar (database versions not stated): ExAC 0.00001.

Submission:

Labcorp Genetics (formerly Invitae), Labcorp
Classification: Uncertain significance for Intellectual disability, autosomal recessive 53. Last evaluated: 2022-06-26. Review status: criteria provided, single submitter. Criteria: Invitae Variant Classification Sherloc (09022015). Collection method: clinical testing. Allele origin: germline.
Comment: This sequence change replaces serine, which is neutral and polar, with phenylalanine, which is neutral and non-polar, at codon 698 of the PIGG protein (p.Ser698Phe). This variant is present in population databases (rs756075731, gnomAD 0.006%). This variant has not been reported in the literature in individuals affected with PIGG-related conditions. Algorithms developed to predict the effect of missense changes on protein structure and function are either unavailable or do not agree on the potential impact of this missense change (SIFT: "Tolerated"; PolyPhen-2: "Probably Damaging"; Align-GVGD: "Class C0"). In summary, the available evidence is currently insufficient to determine the role of this variant in disease. Therefore, it has been classified as a Variant of Uncertain Significance.

NM_001127178.3(PIGG):c.2093C>T (p.Ser698Phe)

Gene: PIGG (phosphatidylinositol glycan anchor biosynthesis class G (EMM blood group); plus strand). Cytogenetic location: 4p16.3.
Variant type: single nucleotide variant.
Coding change: c.2093C>T on transcript NM_001127178.3 (MANE Select); coding-DNA position 2093, C replaced by T.
Protein change: p.Ser698Phe; replaces serine 698 with phenylalanine.
Molecular consequence: missense variant. On other transcripts: non-coding transcript variant (10).
Genome position (GRCh38, 1-based): chr4:527,062, C>T. VCF-style: chr4-527062-C-T. GRCh37 (hg19) VCF-style: chr4-520851-C-T.
Other names: c.1802C>T, p.Ser601Phe (NM_001345987.2); c.1064C>T, p.Ser355Phe (NM_001345988.2); c.560C>T, p.Ser187Phe (NM_001345990.2, NM_001345991.2); c.995C>T, p.Ser332Phe (NM_001345994.2); c.2069C>T, p.Ser690Phe (NM_017733.5); c.1826C>T, p.Ser609Phe (NM_001289051.2, NM_001345986.2); c.1694C>T, p.Ser565Phe (NM_001289052.2); short protein forms S187F, S355F, S609F, S690F, S601F, S698F, S332F, S565F.
Identifiers: ClinVar variation 2010987 (VCV002010987.4), dbSNP rs756075731, ClinGen allele CA2793544.